The following is an entry in ClinVar:

NM_000092.5(COL4A4):c.428G>T (p.Gly143Val)

Gene: COL4A4 (collagen type IV alpha 4 chain; minus strand). Cytogenetic location: 2q36.3.
Variant type: single nucleotide variant.
Coding change: c.428G>T on transcript NM_000092.5 (MANE Select); coding-DNA position 428, G replaced by T.
Protein change: p.Gly143Val; replaces glycine 143 with valine.
Molecular consequence: missense variant.
Genome position (GRCh38, 1-based): chr2:227,118,706, C>A on the plus strand (G>T on the coding strand, the complement: COL4A4 is on the minus strand). VCF-style: chr2-227118706-C-A. GRCh37 (hg19) VCF-style: chr2-227983422-C-A.
Other names: p.(Gly143Val); short protein forms G143V.
Identifiers: ClinVar variation 557549 (VCV000557549.11), dbSNP rs1553695389, ClinGen allele CA350861993.

ClinVar aggregate classification (germline): Likely pathogenic. Review status: criteria provided, multiple submitters, no conflicts (2 of 4 stars). 8 submissions from 8 submitters: Likely pathogenic (7). 1 of the submissions does not count toward it. Last evaluated 2026-05-14.

Conditions:
Diffuse mesangial sclerosis (NPHS4). Identifiers: MedGen C0268747, HP:0001967.
Alport syndrome. Also called: Hemorrhagic familial nephritis; Hemorrhagic hereditary nephritis; Congenital hereditary hematuria. Identifiers: Orphanet 63, MedGen C1567741, MONDO:0018965.
Autosomal recessive Alport syndrome (ATS2). Also called: ALPORT SYNDROME 2, AUTOSOMAL RECESSIVE; COL4A3-Related Nephropathy; COL4A4 Alport Syndrome and Thin Basement Membrane Nephropathy; Alport syndrome type 2. Identifiers: Orphanet 63, Orphanet 88919, MedGen C4746745, MONDO:0008762, OMIM 203780.
Hematuria, benign familial, 1 (BFH1). Also called: THIN MEMBRANE NEPHROPATHY. Identifiers: MedGen CN376803, MONDO:0007709, OMIM 141200.
Autosomal dominant Alport syndrome (ATS3A). Also called: Alport syndrome dominant type; Renal failure and sensorineural hearing loss; ALPORT SYNDROME 3A, AUTOSOMAL DOMINANT. Identifiers: Orphanet 63, Orphanet 88918, MedGen C5882663, MONDO:0007086, OMIM 104200.

gnomAD v4.1: 1 of 1,614,026 alleles (0.000062%); highest among the groups gnomAD compares: Non-Finnish European, 0.000085%; no homozygotes.

Submissions (8):

Centre de Génétique Humaine, Institut de Pathologie Et de Génétique
Classification: Likely pathogenic for Autosomal dominant Alport syndrome. Last evaluated: 2026-05-14. Review status: criteria provided, single submitter. Criteria: ACMG Guidelines, 2015. Collection method: clinical testing. Allele origin: germline. Inheritance: Autosomal dominant inheritance. Affected: yes. Observed: 1 variant allele, 1 heterozygote. Segregation with disease not observed.
Comment: This missense variant involves a highly conserved glycine located in a ‘Gly-X-Y’ motif in collagenous region, which is characteristic of the pathogenic variants identified in the COL4A4 gene (PM1,PP2). This variant is rare: allelic frequency of 0.00043% in gnomAD v4.1.0 database (PM2). In silico analysis supports that this missense variant has a deleterious effect (PP3). Described as disease causing in patients with HFB (PP5)

3billion
Classification: Likely pathogenic for Autosomal recessive Alport syndrome. Last evaluated: 2025-09-26. Review status: criteria provided, single submitter. Criteria: ACMG Guidelines, 2015. Collection method: clinical testing. Allele origin: germline. Affected: yes.
Comment: The variant is observed at an extremely low frequency in the gnomAD v4.1.0 dataset (total allele frequency: <0.001%). Predicted Consequence/Location: The variant is located in a mutational hot spot and/or well-established functional domain in which established pathogenic variants have been reported (PMID: 30311386). In silico tool predictions suggest damaging effect of the variant on gene or gene product [REVEL: 0.98 (>=0.6, sensitivity 0.68 and specificity 0.92)]. The same nucleotide change resulting in the same amino acid change has been previously reported as pathogenic/likely pathogenic with strong evidence (ClinVar ID: VCV000557549 /PMID: 25514610 /3billion dataset). Therefore, this variant is classified as Likely pathogenic according to the recommendation of ACMG/AMP guideline.

Natera, Inc.
Classification: Likely pathogenic for Alport syndrome. Last evaluated: 2025-09-18. Review status: criteria provided, single submitter. Criteria: Natera Variant Classification Schema (03/2026). Collection method: clinical testing. Allele origin: germline.
Comment: The c.428G>T variant in COL4A4 is a missense variant predicted to cause substitution of glycine to valine at amino acid 143. This variant is rare in the general population with a frequency below the threshold expected for the associated phenotype(s). This variant is located in a functionally critical region of the protein. Computational prediction algorithms indicate this variant is likely to affect gene or protein function. Given the available evidence, this variant is classified as Likely Pathogenic.

Myriad Genetics, Inc.
Classification: Likely pathogenic for Alport syndrome. Last evaluated: 2025-01-29. Review status: criteria provided, single submitter. Criteria: Myriad Autosomal Dominant, Autosomal Recessive and X-Linked Classification Criteria (2023). Collection method: clinical testing. Allele origin: unknown.
Comment: NM_000092.4(COL4A4):c.428G>T(G143V) is a missense variant classified as likely pathogenic in the context of Alport syndrome, COL4A4-related. G143V has been observed in a case with relevant disease (PMID: 25514610). Relevant functional assessments of this variant are not available in the literature. G143V has not been observed in referenced population frequency databases. In summary, NM_000092.4(COL4A4):c.428G>T(G143V) is a missense variant that has internal structural support for pathogenicity and has been observed more frequently in cases with the relevant disease than in healthy populations. Please note: this variant was assessed in the context of healthy population screening.

Labcorp Genetics (formerly Invitae), Labcorp
Classification: Likely pathogenic. Last evaluated: 2024-03-14. Review status: criteria provided, single submitter. Criteria: Invitae Variant Classification Sherloc (09022015). Collection method: clinical testing. Allele origin: germline.
Comment: This sequence change replaces glycine, which is neutral and non-polar, with valine, which is neutral and non-polar, at codon 143 of the COL4A4 protein (p.Gly143Val). This variant is not present in population databases (gnomAD no frequency). This missense change has been observed in individuals with clinical features of Alport syndrome (PMID: 25514610, 28632965). ClinVar contains an entry for this variant (Variation ID: 557549). Advanced modeling of protein sequence and biophysical properties (such as structural, functional, and spatial information, amino acid conservation, physicochemical variation, residue mobility, and thermodynamic stability) performed at Invitae indicates that this missense variant is expected to disrupt COL4A4 protein function with a positive predictive value of 95%. In summary, the currently available evidence indicates that the variant is pathogenic, but additional data are needed to prove that conclusively. Therefore, this variant has been classified as Likely Pathogenic.

Fulgent Genetics
Classification: Likely pathogenic for Hematuria, benign familial, 1; Autosomal recessive Alport syndrome. Last evaluated: 2024-01-18. Review status: criteria provided, single submitter. Criteria: ACMG Guidelines, 2015. Collection method: clinical testing. Allele origin: germline.

UNC Molecular Genetics  Laboratory, University of North Carolina at Chapel Hill
Classification: Likely pathogenic for Diffuse mesangial sclerosis. Last evaluated: 2022-05-18. Review status: criteria provided, single submitter. Criteria: ACMG Guidelines, 2015. Collection method: clinical testing. Allele origin: germline. Affected: yes. Observed: 1 heterozygote.

Counsyl
Classification: Uncertain significance for Autosomal recessive Alport syndrome. Last evaluated: 2018-03-29. Review status: no assertion criteria provided. Collection method: clinical testing. Allele origin: unknown. Not counted in ClinVar's aggregate classification.

Literature cited by the submitters: PubMed 25514610 (cited by 5 submitters); PubMed 28632965 (cited by Labcorp Genetics (formerly Invitae), Labcorp and Counsyl).